The following is an entry in ClinVar:

NM_017777.4(MKS1):c.1137C>T (p.Ala379=)

Gene: MKS1 (MKS transition zone complex subunit 1; minus strand). Cytogenetic location: 17q22.
Variant type: single nucleotide variant.
Coding change: c.1137C>T on transcript NM_017777.4 (MANE Select); coding-DNA position 1137, C replaced by T.
Protein change: p.Ala379=; no amino-acid change (alanine 379 retained).
Molecular consequence: synonymous variant.
Genome position (GRCh38, 1-based): chr17:58,208,133, G>A on the plus strand (C>T on the coding strand, the complement: MKS1 is on the minus strand). VCF-style: chr17-58208133-G-A. GRCh37 (hg19) VCF-style: chr17-56285494-G-A.
Other names: c.528C>T, p.Ala176= (NM_001321268.2); c.1137C>T, p.Ala379= (NM_001321269.2, NM_001330397.2, NM_001411113.1).
Identifiers: ClinVar variation 2928046 (VCV002928046.4), dbSNP rs746657618, ClinGen allele CA501028015.
Genomic context (GRCh38, chr17:58,208,133, plus strand): 5'-CAAGGCCCAGGATCAACTGCTGAGCTACTCACCAGAAGATTCATCCTCATGGAGGAAGAA[G>A]GCTTCAAACGTGAATGGGTAGGAGAAGTGAGCCACCTTGTCCTATAAAAAGGAGTGTCAT-3'
Protein context (NP_060247.2, residues 369-389): AHFSYPFTFE[Ala379=]FFLHEDESSD

ClinVar aggregate classification (germline): Likely benign. Review status: criteria provided, single submitter (1 of 4 stars). 2 submissions from 2 submitters: Likely benign (1). 1 of the submissions does not count toward it. Last evaluated 2022-11-10.

Conditions:
MKS1-related disorder. Also called: MKS1-related disorders; MKS1-related condition. Identifiers: MedGen CN239382.
Meckel-Gruber syndrome. Also called: Dysencephalia splachnocystica; DYSENCEPHALIA SPLANCHNOCYSTICA; GRUBER SYNDROME. Identifiers: Orphanet 564, MedGen C0265215, MONDO:0018921.
Joubert syndrome. Also called: JOUBERT-BOLTSHAUSER SYNDROME; Familial aplasia of the vermis. Identifiers: Orphanet 475, MedGen C5979921, MONDO:0018772.

gnomAD v4.1: 7 of 1,613,978 alleles (0.00043%); highest among the groups gnomAD compares: Non-Finnish European, 0.00059%; no homozygotes.

Submissions (2):

Labcorp Genetics (formerly Invitae), Labcorp
Classification: Likely benign for Joubert syndrome; Meckel-Gruber syndrome. Last evaluated: 2022-11-10. Review status: criteria provided, single submitter. Criteria: Invitae Variant Classification Sherloc (09022015). Collection method: clinical testing. Allele origin: germline.

PreventionGenetics, part of Exact Sciences
Classification: Likely benign for MKS1-related condition. Last evaluated: 2022-07-20. Review status: no assertion criteria provided. Collection method: clinical testing. Allele origin: germline. Not counted in ClinVar's aggregate classification.
Comment: This variant is classified as likely benign based on ACMG/AMP sequence variant interpretation guidelines (Richards et al. 2015 PMID: 25741868, with internal and published modifications).